The following is an entry in ClinVar:

NM_000256.3(MYBPC3):c.1444dup (p.Ala482fs)

Gene: MYBPC3 (myosin binding protein C3; minus strand). Cytogenetic location: 11p11.2.
Variant type: Duplication.
Coding change: c.1444dup on transcript NM_000256.3 (MANE Select); coding-DNA position 1444, one base duplicated (G; older notation c.1444dupG).
Protein change: p.Ala482fs; shifts the reading frame from alanine 482.
Molecular consequence: frameshift variant.
Genome position (GRCh38, 1-based): chr11:47,342,843, C duplicated on the plus strand (G on the coding strand, the reverse complement: MYBPC3 is on the minus strand); the first of 5 consecutive C bases (chr11:47,342,843-47,342,847); duplicating any one gives the same sequence. VCF-style (leftmost placement, unchanged base first): chr11-47342842-G-GC. GRCh37 (hg19) VCF-style: chr11-47364393-G-GC.
Other names: p.Ala482GlyfsX49; c.1444_1445insG (NM_000256.3); c.1444dupG (NM_000256.3); short protein forms A482fs.
Identifiers: ClinVar variation 228368 (VCV000228368.11), dbSNP rs876657703, ClinGen allele CA10576891.
Genomic context (GRCh38, chr11:47,342,842, plus strand): 5'-TCTGGGCAGATGCCCCCAACACCCATGCCCCGTGCTTCTGGAACTCACCATTTGACTTGC[G>GC]CCCCCTCCTCCGATACTTCACACTCAAACTCCACCCGCTGCCCCACCATCACCAGCTGGT-3'

ClinVar aggregate classification (germline): Pathogenic. Review status: criteria provided, multiple submitters, no conflicts (2 of 4 stars). 3 submissions from 3 submitters: Pathogenic (3). Last evaluated 2026-01-27.

Conditions:
Cardiovascular phenotype. Identifiers: MedGen CN230736.
Hypertrophic cardiomyopathy. Also called: HYPERTROPHIC MYOCARDIOPATHY. Identifiers: Orphanet 217569, MedGen C0007194, MeSH D002312, MONDO:0005045, HP:0001639.

Submissions (3):

Labcorp Genetics (formerly Invitae), Labcorp
Classification: Pathogenic for Hypertrophic cardiomyopathy. Last evaluated: 2026-01-27. Review status: criteria provided, single submitter. Criteria: Invitae Variant Classification Sherloc (09022015). Collection method: clinical testing. Allele origin: germline.
Comment: This sequence change creates a premature translational stop signal (p.Ala482Glyfs*49) in the MYBPC3 gene. It is expected to result in an absent or disrupted protein product. Loss-of-function variants in MYBPC3 are known to be pathogenic (PMID: 19574547). This variant is not present in population databases (gnomAD no frequency). This variant has not been reported in the literature in individuals affected with MYBPC3-related conditions. ClinVar contains an entry for this variant (Variation ID: 228368). For these reasons, this variant has been classified as Pathogenic.

Ambry Genetics
Classification: Pathogenic for Cardiovascular phenotype. Last evaluated: 2025-01-04. Review status: criteria provided, single submitter. Criteria: Ambry Variant Classification Scheme 2023. Collection method: clinical testing. Allele origin: germline.
Comment: The c.1444dupG pathogenic mutation, located in coding exon 16 of the MYBPC3 gene, results from a duplication of G at nucleotide position 1444, causing a translational frameshift with a predicted alternate stop codon (p.A482Gfs*49). This variant is considered to be rare based on population cohorts in the Genome Aggregation Database (gnomAD). This alteration is expected to result in loss of function by premature protein truncation or nonsense-mediated mRNA decay. As such, this alteration is interpreted as a disease-causing mutation.

Laboratory for Molecular Medicine, Mass General Brigham Personalized Medicine
Classification: Pathogenic for Hypertrophic cardiomyopathy. Last evaluated: 2015-05-01. Review status: criteria provided, single submitter. Criteria: LMM Criteria. Collection method: clinical testing. Allele origin: germline. Inheritance: Autosomal dominant inheritance. Observed: 1 variant allele.
Comment: The p.Ala482fs variant in MYBPC3 has not been previously reported in individuals with cardiomyopathy and was absent from large population studies. This variant is predicted to cause a frameshift, which alters the protein?s amino acid sequen ce beginning at position 482 and leads to a premature termination codon 49 amino acids downstream. This alteration is then predicted to lead to a truncated or a bsent protein. Heterozygous loss of MYBPC3 function is an established disease me chanism in individuals with HCM. In summary, this variant meets our criteria to be classified as pathogenic for HCM in an autosomal dominant manner (.) based upon the predicted impact of the va riant and absence from controls.

Literature cited by the submitters: PubMed 19574547 (cited by Labcorp Genetics (formerly Invitae), Labcorp).